The following is an entry in ClinVar:

ClinVar aggregate classification (germline): Uncertain significance. Review status: criteria provided, multiple submitters, no conflicts (2 of 4 stars). 3 submissions from 3 submitters: Uncertain significance (3). Last evaluated 2025-04-16.

Allele frequency attached by ClinVar (database versions not stated): TOPMed below 0.00001; ExAC 0.00001; gnomAD exomes 0.00001 and 0.00002.

Submissions (3):

Labcorp Genetics (formerly Invitae), Labcorp
Classification: Uncertain significance. Last evaluated: 2025-04-16. Review status: criteria provided, single submitter. Criteria: Invitae Variant Classification Sherloc (09022015). Collection method: clinical testing. Allele origin: germline.
Comment: This sequence change replaces methionine, which is neutral and non-polar, with threonine, which is neutral and polar, at codon 155 of the RHO protein (p.Met155Thr). This variant is present in population databases (rs762290223, gnomAD 0.002%). This missense change has been observed in individual(s) with retinitis pigmentosa (PMID: 35836572). ClinVar contains an entry for this variant (Variation ID: 1353422). Invitae Evidence Modeling of protein sequence and biophysical properties (such as structural, functional, and spatial information, amino acid conservation, physicochemical variation, residue mobility, and thermodynamic stability) has been performed for this missense variant. However, the output from this modeling did not meet the statistical confidence thresholds required to predict the impact of this variant on RHO protein function. In summary, the available evidence is currently insufficient to determine the role of this variant in disease. Therefore, it has been classified as a Variant of Uncertain Significance.

Blueprint Genetics
Classification: Uncertain significance. Last evaluated: 2024-11-07. Review status: criteria provided, single submitter. Criteria: ACMG Guidelines, 2015. Collection method: clinical testing. Allele origin: germline.

CeGaT Center for Human Genetics Tuebingen
Classification: Uncertain significance. Last evaluated: 2022-08-01. Review status: criteria provided, single submitter. Criteria: CeGaT Center For Human Genetics Tuebingen Variant Classification Criteria Version 2. Collection method: clinical testing. Allele origin: germline. Affected: yes. Observed: 1 variant allele.

Literature cited by the submitters: PubMed 35836572 (cited by Labcorp Genetics (formerly Invitae), Labcorp).

NM_000539.3(RHO):c.464T>C (p.Met155Thr)

Gene: RHO (rhodopsin; plus strand). Cytogenetic location: 3q22.1.
Variant type: single nucleotide variant.
Coding change: c.464T>C on transcript NM_000539.3 (MANE Select); coding-DNA position 464, T replaced by C.
Protein change: p.Met155Thr; replaces methionine 155 with threonine.
Molecular consequence: missense variant.
Genome position (GRCh38, 1-based): chr3:129,530,978, T>C. VCF-style: chr3-129530978-T-C. GRCh37 (hg19) VCF-style: chr3-129249821-T-C.
Other names: short protein forms M155T.
Identifiers: ClinVar variation 1353422 (VCV001353422.38), dbSNP rs762290223, ClinGen allele CA2607163.